The following is an entry in ClinVar:

ClinVar aggregate classification (germline): Conflicting classifications of pathogenicity. Review status: criteria provided, conflicting classifications (1 of 4 stars). 2 submissions from 2 submitters: Uncertain significance (1); Likely benign (1). Last evaluated 2022-11-30.

Conditions:
Hereditary breast ovarian cancer syndrome. Also called: Breast and ovarian cancer; Hereditary breast and ovarian cancer; Hereditary breast and ovarian cancer syndrome; Hereditary breast and/or ovarian cancer syndrome; BRCA1- and BRCA2-Associated Hereditary Breast and Ovarian Cancer; Hereditary breast and ovarian cancer syndrome (HBOC). Identifiers: Orphanet 145, MedGen C0677776, MeSH D061325, MONDO:0003582. Disease mechanism: loss of function.
Hereditary cancer-predisposing syndrome. Also called: Tumor predisposition; Hereditary Cancer Syndrome; Neoplastic Syndromes, Hereditary; Hereditary neoplastic syndrome. Identifiers: Orphanet 140162, MedGen C0027672, MeSH D009386, MONDO:0015356.

Submissions (3):

Labcorp Genetics (formerly Invitae), Labcorp
Classification: Uncertain significance for Hereditary breast ovarian cancer syndrome. Last evaluated: 2022-11-30. Review status: criteria provided, single submitter. Criteria: Invitae Variant Classification Sherloc (09022015). Collection method: clinical testing. Allele origin: germline.
Comment: In summary, the available evidence is currently insufficient to determine the role of this variant in disease. Therefore, it has been classified as a Variant of Uncertain Significance. Experimental studies have shown that this missense change does not substantially affect BRCA1 function (PMID: 30209399). Advanced modeling performed at Invitae incorporating data from internal and/or published experimental studies (PMID: 30209399) indicates that this missense variant is not expected to disrupt BRCA1 function. ClinVar contains an entry for this variant (Variation ID: 232788). This variant has not been reported in the literature in individuals affected with BRCA1-related conditions. This variant is not present in population databases (gnomAD no frequency). This sequence change replaces proline, which is neutral and non-polar, with serine, which is neutral and polar, at codon 1637 of the BRCA1 protein (p.Pro1637Ser).

Ambry Genetics
Classification: Likely benign for Hereditary cancer-predisposing syndrome. Last evaluated: 2021-05-20. Review status: criteria provided, single submitter. Criteria: Ambry Variant Classification Scheme 2023. Collection method: clinical testing. Allele origin: germline.

Brotman Baty Institute, University of Washington
No classification provided (evidence only). Condition: Breast-ovarian cancer, familial 1. Review status: no classification provided. Collection method: in vitro. Allele origin: not applicable. Functional consequence: functionally_normal. Not counted in ClinVar's aggregate classification.
ClinVar note: "not provided" was previously submitted as the classification for the variant. However, the classification appeared to be based only on an observation of functional data so it was converted to no classification on 2025-07-30.

Literature cited by the submitters: PubMed 30209399 (cited by Labcorp Genetics (formerly Invitae), Labcorp and Ambry Genetics).

NM_007294.4(BRCA1):c.4909C>T (p.Pro1637Ser)

Gene: BRCA1 (BRCA1 DNA repair associated; minus strand). Cytogenetic location: 17q21.31.
Variant type: single nucleotide variant.
Coding change: c.4909C>T on transcript NM_007294.4 (MANE Select); coding-DNA position 4909, C replaced by T.
Protein change: p.Pro1637Ser; replaces proline 1637 with serine.
Molecular consequence: missense variant. On other transcripts: non-coding transcript variant (1).
Genome position (GRCh38, 1-based): chr17:43,071,005, G>A on the plus strand (C>T on the coding strand, the complement: BRCA1 is on the minus strand). VCF-style: chr17-43071005-G-A. GRCh37 (hg19) VCF-style: chr17-41223022-G-A.
Other names: c.1336C>T, p.Pro446Ser (NM_001408496.1, NM_001408497.1, NM_001408498.1 and 3 more transcripts); c.1333C>T, p.Pro445Ser (NM_001408502.1, NM_001408503.1, NM_001408504.1); c.4768C>T, p.Pro1590Ser (NM_007297.4, NM_001407695.1, NM_001407696.1 and 13 more transcripts); c.1597C>T, p.Pro533Ser (NM_007298.4, NM_007299.4, NM_007304.2 and 13 more transcripts); c.4972C>T, p.Pro1658Ser (NM_007300.4, NM_001407583.1, NM_001407585.1 and 1 more transcripts); c.4696C>T, p.Pro1566Ser (NM_001407571.1, NM_001407894.1, NM_001407908.1 and 12 more transcripts); c.4975C>T, p.Pro1659Ser (NM_001407581.1, NM_001407582.1); c.4969C>T, p.Pro1657Ser (NM_001407590.1, NM_001407591.1); and 70 more; short protein forms P1637S, P1590S, P1658S, P533S, P1483S, P1509S, P1548S, P1567S.
Identifiers: ClinVar variation 232788 (VCV000232788.15), dbSNP rs876659989, ClinGen allele CA10580506.